The following is an entry in ClinVar:

NM_152564.5(VPS13B):c.107del (p.Val36fs)

Gene: VPS13B (vacuolar protein sorting 13 homolog B; plus strand). Cytogenetic location: 8q22.2.
Variant type: Deletion.
Coding change: c.107del on transcript NM_152564.5 (MANE Select); coding-DNA position 107, one base deleted (T; older notation c.107delT).
Protein change: p.Val36fs; shifts the reading frame from valine 36.
Molecular consequence: frameshift variant. On other transcripts: non-coding transcript variant (1).
Genome position (GRCh38, 1-based): chr8:99,013,895, T deleted. VCF-style (leftmost placement, unchanged base first): chr8-99013894-GT-G. GRCh37 (hg19) VCF-style: chr8-100026122-GT-G.
Other names: c.107del, p.Val36fs (NM_015243.3, NM_017890.5, NM_181661.3); short protein forms V36fs.
Identifiers: ClinVar variation 4815923 (VCV004815923.1).

ClinVar aggregate classification (germline): Likely pathogenic (1 of 4 stars; one submission).

Conditions:
Cohen syndrome (COH1). Also called: PEPPER SYNDROME; Cutis verticis gyrata, retinitis pigmentosa, and sensorineural deafness. Identifiers: Orphanet 193, MedGen C0265223, MONDO:0008999, OMIM 216550.

Submission:

Natera, Inc.
Classification: Likely pathogenic for Cohen syndrome. Last evaluated: 2024-12-15. Review status: criteria provided, single submitter. Criteria: Natera Variant Classification Schema (03/2026). Collection method: clinical testing. Allele origin: germline.
Comment: The c.107delT variant in VPS13B is a frameshift variant predicted to shift the reading frame beginning at codon 36 and leads to a stop codon 7 codons downstream. This variant is expected to result in nonsense mediated decay, truncation, or a dysfunctional protein product. This variant is rare in the general population with a frequency below the threshold expected for the associated phenotype(s). Given the available evidence, this variant is classified as Likely Pathogenic.